The following is an entry in ClinVar:

NM_145068.4(TRPV3):c.*2169C>A

Genes: SPATA22 (spermatogenesis associated 22; minus strand), TRPV3 (transient receptor potential cation channel subfamily V member 3; minus strand). Cytogenetic location: 17p13.2.
Variant type: single nucleotide variant.
Coding change: c.*2169C>A on transcript NM_145068.4 (MANE Select); 2169 bases downstream of the stop codon, C replaced by A.
Molecular consequence: 3 prime UTR variant. On other transcripts: intron variant (2).
Genome position (GRCh38, 1-based): chr17:3,511,748, G>T on the plus strand (C>A on the coding strand, the complement: TRPV3 is on the minus strand). VCF-style: chr17-3511748-G-T. GRCh37 (hg19) VCF-style: chr17-3415042-G-T.
Other names: c.*2169C>A (NM_001258205.2); c.-74+1664C>A (NM_001321336.2, NM_001321337.2).
Identifiers: ClinVar variation 322697 (VCV000322697.7), dbSNP rs147868324, ClinGen allele CA10639387.

ClinVar aggregate classification (germline): Benign (1 of 4 stars; one submission).

Conditions:
Isolated focal non-epidermolytic palmoplantar keratoderma. Also called: Palmoplantar keratoderma, nonepidermolytic, focal 2. Identifiers: Orphanet 448264, MedGen C4225339, MONDO:0014622, OMIM 616400.

Allele frequency attached by ClinVar (database versions not stated): 1000 Genomes Project 0.00240; 1000 Genomes Project 30x 0.00250; gnomAD 0.00444 and 0.00480; TOPMed 0.00476.

Submission:

Illumina Laboratory Services, Illumina
Classification: Benign for Isolated focal non-epidermolytic palmoplantar keratoderma. Last evaluated: 2018-01-13. Review status: criteria provided, single submitter. Criteria: ICSL Variant Classification Criteria 13 December 2019. Collection method: clinical testing. Allele origin: germline.
Comment: This variant was observed in the ICSL laboratory as part of a predisposition screen in an ostensibly healthy population. It had not been previously curated by ICSL or reported in the Human Gene Mutation Database (HGMD: prior to June 1st, 2018), and was therefore a candidate for classification through an automated scoring system. Utilizing variant allele frequency, disease prevalence and penetrance estimates, and inheritance mode, an automated score was calculated to assess if this variant is too frequent to cause the disease. Based on the score and internal cut-off values, a variant classified as benign is not then subjected to further curation. The score for this variant resulted in a classification of benign for this disease.